The following is an entry in ClinVar:

ClinVar aggregate classification (germline): Uncertain significance. Review status: criteria provided, multiple submitters, no conflicts (2 of 4 stars). 7 submissions from 7 submitters: Uncertain significance (6). 1 of the submissions does not count toward it. Last evaluated 2025-12-03.

Conditions:
Gnathodiaphyseal dysplasia (GDD). Also called: GNATHODIAPHYSEAL SCLEROSIS; OSTEOGENESIS IMPERFECTA WITH UNUSUAL SKELETAL LESIONS. Identifiers: Orphanet 53697, MedGen C1833736, MONDO:0008151, OMIM 166260.
Autosomal recessive limb-girdle muscular dystrophy type 2L (LGMDR12). Also called: MUSCULAR DYSTROPHY, LIMB-GIRDLE, AUTOSOMAL RECESSIVE 12; Limb-Girdle Muscular Dystrophy R12 Anoctamin-5-Related (LGMD-R12); Limb-girdle muscular dystrophy, type 2L. Identifiers: Orphanet 206549, MedGen C1969785, MONDO:0012652, OMIM 611307.
ANO5-related disorder. Also called: ANO5-related disorders; ANO5-related condition. Identifiers: MedGen CN239193.
Inborn genetic diseases. Identifiers: MedGen C0950123, MeSH D030342.

Allele frequency attached by ClinVar (database versions not stated): ExAC 0.00001; gnomAD exomes 0.00002 and 0.00004; TOPMed 0.00008; gnomAD 0.00010 and 0.00011.
gnomAD v4.1: 75 of 1,612,334 alleles (0.0047%); highest among the groups gnomAD compares: African/African-American, 0.031%; no homozygotes.

Submissions (7):

Labcorp Genetics (formerly Invitae), Labcorp
Classification: Uncertain significance for Autosomal recessive limb-girdle muscular dystrophy type 2L; Gnathodiaphyseal dysplasia. Last evaluated: 2025-12-03. Review status: criteria provided, single submitter. Criteria: Invitae Variant Classification Sherloc (09022015). Collection method: clinical testing. Allele origin: germline.
Comment: This sequence change replaces arginine, which is basic and polar, with histidine, which is basic and polar, at codon 455 of the ANO5 protein (p.Arg455His). This variant is present in population databases (rs772899863, gnomAD 0.01%). This missense change has been observed in individual(s) with limb-girdle muscular dystrophy (PMID: 39678382). ClinVar contains an entry for this variant (Variation ID: 285221). Invitae Evidence Modeling of protein sequence and biophysical properties (such as structural, functional, and spatial information, amino acid conservation, physicochemical variation, residue mobility, and thermodynamic stability) indicates that this missense variant is expected to disrupt ANO5 protein function with a positive predictive value of 95%. Algorithms developed to predict the effect of sequence changes on RNA splicing suggest that this variant may disrupt the consensus splice site. In summary, the available evidence is currently insufficient to determine the role of this variant in disease. Therefore, it has been classified as a Variant of Uncertain Significance.

Women's Health and Genetics/Laboratory Corporation of America, LabCorp
Classification: Uncertain significance. Last evaluated: 2025-04-29. Review status: criteria provided, single submitter. Criteria: LabCorp Variant Classification Summary - May 2015. Collection method: clinical testing. Allele origin: germline.
Comment: Variant summary: ANO5 c.1364G>A (p.Arg455His) results in a non-conservative amino acid change located in the transmembrane domain (IPR049452) of the encoded protein sequence. Three of five in-silico tools predict a damaging effect of the variant on protein function. The variant allele was found at a frequency of 4.7e-05 in 1605346 control chromosomes (gnomAD). This frequency is not significantly higher than estimated for a pathogenic variant in ANO5 causing Limb-Girdle Muscular Dystrophy, Autosomal Recessive (4.7e-05 vs 0.0047), allowing no conclusion about variant significance. To our knowledge, no occurrence of c.1364G>A in individuals affected with Limb-Girdle Muscular Dystrophy, Autosomal Recessive and no experimental evidence demonstrating its impact on protein function have been reported. ClinVar contains an entry for this variant (Variation ID: 285221). Based on the evidence outlined above, the variant was classified as uncertain significance.

Ambry Genetics
Classification: Uncertain significance for Inborn genetic diseases. Last evaluated: 2023-02-22. Review status: criteria provided, single submitter. Criteria: Ambry Variant Classification Scheme 2023. Collection method: clinical testing. Allele origin: germline.

Revvity Omics, Revvity
Classification: Uncertain significance. Last evaluated: 2020-09-04. Review status: criteria provided, single submitter. Criteria: ACMG Guidelines, 2015. Collection method: clinical testing. Allele origin: germline.

GeneDx
Classification: Uncertain significance. Last evaluated: 2020-04-20. Review status: criteria provided, single submitter. Criteria: GeneDx Variant Classification Process June 2021. Collection method: clinical testing. Allele origin: germline. Affected: yes.
Comment: Not observed at a significant frequency in large population cohorts (Lek et al., 2016); In silico analysis supports that this missense variant has a deleterious effect on protein structure/function; Has not been previously published as pathogenic or benign to our knowledge

Eurofins Ntd Llc (ga)
Classification: Uncertain significance. Last evaluated: 2016-01-13. Review status: criteria provided, single submitter. Criteria: EGL Classification Definitions 2015. Collection method: clinical testing. Allele origin: germline. Observed: 1 variant allele, 1 heterozygote.

PreventionGenetics, part of Exact Sciences
Classification: Uncertain significance for ANO5-related condition. Last evaluated: 2024-01-24. Review status: no assertion criteria provided. Collection method: clinical testing. Allele origin: germline. Not counted in ClinVar's aggregate classification.
Comment: The ANO5 c.1364G>A variant is predicted to result in the amino acid substitution p.Arg455His. To our knowledge, this variant has not been reported in the literature. This variant is reported in 0.011% of alleles in individuals of Latino descent in gnomAD. At this time, the clinical significance of this variant is uncertain due to the absence of conclusive functional and genetic evidence.

Literature cited by the submitters: PubMed 39678382 (cited by Labcorp Genetics (formerly Invitae), Labcorp).

NM_213599.3(ANO5):c.1364G>A (p.Arg455His)

Gene: ANO5 (anoctamin 5; plus strand). Cytogenetic location: 11p14.3.
Variant type: single nucleotide variant.
Coding change: c.1364G>A on transcript NM_213599.3 (MANE Select); coding-DNA position 1364, G replaced by A.
Protein change: p.Arg455His; replaces arginine 455 with histidine.
Molecular consequence: missense variant.
Genome position (GRCh38, 1-based): chr11:22,257,711, G>A. VCF-style: chr11-22257711-G-A. GRCh37 (hg19) VCF-style: chr11-22279257-G-A.
Other names: c.1361G>A, p.Arg454His (NM_001142649.2); short protein forms R455H, R454H.
Identifiers: ClinVar variation 285221 (VCV000285221.26), dbSNP rs772899863, ClinGen allele CA5923229.